The following is an entry in ClinVar:

NM_001374736.1(DST):c.3061-6C>T

Gene: DST (dystonin; minus strand). Cytogenetic location: 6p12.1.
Variant type: single nucleotide variant.
Coding change: c.3061-6C>T on transcript NM_001374736.1 (MANE Select); 6 bases into the intron before coding-DNA position 3061, C replaced by T.
Molecular consequence: intron variant.
Genome position (GRCh38, 1-based): chr6:56,635,720, G>A on the plus strand (C>T on the coding strand, the complement: DST is on the minus strand). VCF-style: chr6-56635720-G-A. GRCh37 (hg19) VCF-style: chr6-56500518-G-A.
Other names: c.2962-6C>T (NM_001144769.5); c.3061-6C>T (NM_001374722.1); c.3088-6C>T (NM_001374734.1); c.2548-6C>T (NM_001144770.2); c.2428-6C>T (NM_001374730.1, NM_001386100.1, NM_183380.4 and 1 more transcripts); c.1450-6C>T (NM_015548.5, NM_001723.7).
Identifiers: ClinVar variation 2178926 (VCV002178926.5), dbSNP rs753950967, ClinGen allele CA3871237.

ClinVar aggregate classification (germline): Conflicting classifications of pathogenicity. Review status: criteria provided, conflicting classifications (1 of 4 stars). 2 submissions from 2 submitters: Uncertain significance (1); Likely benign (1). Last evaluated 2024-12-31.

Conditions:
Epidermolysis bullosa simplex 3, localized or generalized intermediate, with BP230 deficiency (EBS3). Also called: Epidermolysis bullosa simplex due to BP230 deficiency; Epidermolysis bullosa simplex, autosomal recessive 2. Identifiers: Orphanet 412181, MedGen C3809470, MONDO:0014180, OMIM 615425.
Hereditary sensory and autonomic neuropathy type 6. Also called: Neuropathy, hereditary sensory and autonomic, type VI; HSAN VI. Identifiers: Orphanet 314381, MedGen C3539003, MONDO:0013839, OMIM 614653.

Allele frequency attached by ClinVar (database versions not stated): ExAC 0.00003.
gnomAD v4.1: 20 of 1,613,186 alleles (0.0012%); highest among the groups gnomAD compares: Non-Finnish European, 0.0017%; 1 homozygote.

Submissions (2):

Women's Health and Genetics/Laboratory Corporation of America, LabCorp
Classification: Uncertain significance. Last evaluated: 2024-12-31. Review status: criteria provided, single submitter. Criteria: LabCorp Variant Classification Summary - May 2015. Collection method: clinical testing. Allele origin: germline.
Comment: Variant summary: DST c.1450-6C>T alters a nucleotide located close to a canonical splice site and therefore could affect mRNA splicing, leading to a significantly altered protein sequence. Consensus agreement among computation tools predict no significant impact on normal splicing. However, these predictions have yet to be confirmed by functional studies. The variant allele was found at a frequency of 1.2e-05 in 250202 control chromosomes. The available data on variant occurrences in the general population are insufficient to allow any conclusion about variant significance. To our knowledge, no occurrence of c.1450-6C>T in individuals affected with Epidermolysis bullosa simplex 3, localized or generalized intermediate, with BP230 deficiency and no experimental evidence demonstrating its impact on protein function have been reported. ClinVar contains an entry for this variant (Variation ID: 2178926). Based on the evidence outlined above, the variant was classified as uncertain significance.

Labcorp Genetics (formerly Invitae), Labcorp
Classification: Likely benign for Epidermolysis bullosa simplex 3, localized or generalized intermediate, with BP230 deficiency; Hereditary sensory and autonomic neuropathy type 6. Last evaluated: 2023-12-11. Review status: criteria provided, single submitter. Criteria: Invitae Variant Classification Sherloc (09022015). Collection method: clinical testing. Allele origin: germline.